The following is an entry in ClinVar:

NM_000521.4(HEXB):c.1219G>T (p.Glu407Ter)

Gene: HEXB (hexosaminidase subunit beta; plus strand). Cytogenetic location: 5q13.3.
Variant type: single nucleotide variant.
Coding change: c.1219G>T on transcript NM_000521.4 (MANE Select); coding-DNA position 1219, G replaced by T.
Protein change: p.Glu407Ter; replaces glutamic acid 407 with a stop codon.
Molecular consequence: nonsense.
Genome position (GRCh38, 1-based): chr5:74,718,340, G>T. VCF-style: chr5-74718340-G-T. GRCh37 (hg19) VCF-style: chr5-74014165-G-T.
Other names: c.544G>T, p.Glu182Ter (NM_001292004.2); short protein forms E182*, E407*.
Identifiers: ClinVar variation 1723941 (VCV001723941.2), dbSNP rs2478764195, ClinGen allele CA360069460.

ClinVar aggregate classification (germline): Likely pathogenic (1 of 4 stars; one submission).

Conditions:
Sandhoff disease. Also called: GM2-GANGLIOSIDOSIS, TYPE II; HEXOSAMINIDASES A AND B DEFICIENCY; Beta-hexosaminidase-beta-subunit deficiency; GM2 gangliosidosis, type 2; Total hexosaminidase deficiency; Sandhoff-Jatzkewitz-Pilz disease. Identifiers: Orphanet 796, MedGen C0036161, MONDO:0010006, OMIM 268800.

Submission:

Myriad Genetics, Inc.
Classification: Likely pathogenic for Sandhoff disease. Last evaluated: 2022-01-14. Review status: criteria provided, single submitter. Criteria: Myriad Women's Health Autosomal Recessive and X-Linked Classification Criteria (2021). Collection method: clinical testing. Allele origin: unknown.
Comment: NM_000521.3(HEXB):c.1219G>T(E407*) is expected to be pathogenic in the context of Sandhoff disease. This variant is predicted to lead to an abnormal or absent protein product due to the creation of a premature termination codon in HEXB, a gene where loss-of-function variants are known to be pathogenic. Please note: this variant was assessed in the context of healthy population screening.